The following is an entry in ClinVar:

NM_000383.4(AIRE):c.868C>T (p.Gln290Ter)

Gene: AIRE (autoimmune regulator; plus strand). Cytogenetic location: 21q22.3.
Variant type: single nucleotide variant.
Coding change: c.868C>T on transcript NM_000383.4 (MANE Select); coding-DNA position 868, C replaced by T.
Protein change: p.Gln290Ter; replaces glutamine 290 with a stop codon.
Molecular consequence: nonsense.
Genome position (GRCh38, 1-based): chr21:44,290,057, C>T. VCF-style: chr21-44290057-C-T. GRCh37 (hg19) VCF-style: chr21-45709940-C-T.
Other names: c.868C>T (NM_000383.3); short protein forms Q290*.
Identifiers: ClinVar variation 2815515 (VCV002815515.4), dbSNP rs2517880872, ClinGen allele CA410424745.

ClinVar aggregate classification (germline): Pathogenic/Likely pathogenic. Review status: criteria provided, multiple submitters, no conflicts (2 of 4 stars). 2 submissions from 2 submitters: Pathogenic (1); Likely pathogenic (1). Last evaluated 2025-11-05.

Conditions:
Polyglandular autoimmune syndrome, type 1 (APS1). Also called: AUTOIMMUNE POLYENDOCRINE SYNDROME, TYPE I, WITH OR WITHOUT REVERSIBLE METAPHYSEAL DYSPLASIA; APS I; Autoimmune polyendocrine syndrome type 1; HYPOADRENOCORTICISM WITH HYPOPARATHYROIDISM AND SUPERFICIAL MONILIASIS; PGA I; Autoimmune polyendocrinopathy syndrome, type I. Identifiers: Orphanet 3453, MedGen C0085859, MONDO:0009411, OMIM 240300.

Submissions (2):

Natera, Inc.
Classification: Likely pathogenic for Polyglandular autoimmune syndrome type 1. Last evaluated: 2025-11-05. Review status: criteria provided, single submitter. Criteria: Natera Variant Classification Schema (03/2026). Collection method: clinical testing. Allele origin: germline.
Comment: The c.868C>T variant in AIRE is a nonsense variant predicted to introduce a stop codon at amino acid 290. This variant is expected to result in nonsense mediated decay, truncation, or a dysfunctional protein product. This variant is rare in the general population with a frequency below the threshold expected for the associated phenotype(s). Given the available evidence, this variant is classified as Likely Pathogenic.

Labcorp Genetics (formerly Invitae), Labcorp
Classification: Pathogenic for Polyglandular autoimmune syndrome, type 1. Last evaluated: 2023-09-21. Review status: criteria provided, single submitter. Criteria: Invitae Variant Classification Sherloc (09022015). Collection method: clinical testing. Allele origin: germline.
Comment: This sequence change creates a premature translational stop signal (p.Gln290*) in the AIRE gene. It is expected to result in an absent or disrupted protein product. Loss-of-function variants in AIRE are known to be pathogenic (PMID: 11524731, 26141571). Algorithms developed to predict the effect of sequence changes on RNA splicing suggest that this variant may disrupt the consensus splice site. For these reasons, this variant has been classified as Pathogenic. This variant has not been reported in the literature in individuals affected with AIRE-related conditions. This variant is not present in population databases (gnomAD no frequency).

Literature cited by the submitters: PubMed 11524731 (cited by Labcorp Genetics (formerly Invitae), Labcorp); PubMed 26141571 (cited by Labcorp Genetics (formerly Invitae), Labcorp).